The following is an entry in ClinVar:

NM_203446.3(SYNJ1):c.*613A>G

Gene: SYNJ1 (synaptojanin 1; minus strand). Cytogenetic location: 21q22.11.
Variant type: single nucleotide variant.
Coding change: c.*613A>G on transcript NM_203446.3 (MANE Select); 613 bases downstream of the stop codon, A replaced by G.
Molecular consequence: 3 prime UTR variant. On other transcripts: missense variant (2).
Genome position (GRCh38, 1-based): chr21:32,631,192, T>C on the plus strand (A>G on the coding strand, the complement: SYNJ1 is on the minus strand). VCF-style: chr21-32631192-T-C. GRCh37 (hg19) VCF-style: chr21-34003502-T-C.
Other names: c.*613A>G (NM_001160302.2); c.4384A>G, p.Ser1462Gly (NM_001160306.2); c.4642A>G, p.Ser1548Gly (NM_003895.4); short protein forms S1548G, S1462G.
Identifiers: ClinVar variation 573244 (VCV000573244.6), dbSNP rs769954720, ClinGen allele CA319449718.

ClinVar aggregate classification (germline): Uncertain significance (1 of 4 stars; one submission).

Conditions:
Developmental and epileptic encephalopathy, 53. Also called: Epileptic encephalopathy, early infantile, 53. Identifiers: MedGen C4479313, MONDO:0033362, OMIM 617389.
Early-onset Parkinson disease 20. Also called: PARKINSON DISEASE 20, AUTOSOMAL RECESSIVE EARLY-ONSET. Identifiers: Orphanet 391411, MedGen C3809824, MONDO:0014233, OMIM 615530.

Allele frequency attached by ClinVar (database versions not stated): gnomAD 0.00002 and 0.00003; TOPMed 0.00003.
gnomAD v4.1: 28 of 1,614,080 alleles (0.0017%); highest among the groups gnomAD compares: East Asian, 0.0045%; no homozygotes.

Submission:

Labcorp Genetics (formerly Invitae), Labcorp
Classification: Uncertain significance for Developmental and epileptic encephalopathy, 53; Early-onset Parkinson disease 20. Last evaluated: 2022-08-23. Review status: criteria provided, single submitter. Criteria: Invitae Variant Classification Sherloc (09022015). Collection method: clinical testing. Allele origin: germline.
Comment: This sequence change replaces serine, which is neutral and polar, with glycine, which is neutral and non-polar, at codon 1548 of the SYNJ1 protein (p.Ser1548Gly). This variant is present in population databases (no rsID available, gnomAD 0.005%). This variant has not been reported in the literature in individuals affected with SYNJ1-related conditions. ClinVar contains an entry for this variant (Variation ID: 573244). Algorithms developed to predict the effect of missense changes on protein structure and function output the following: SIFT: "Tolerated"; PolyPhen-2: "Benign"; Align-GVGD: "Class C0". The glycine amino acid residue is found in multiple mammalian species, which suggests that this missense change does not adversely affect protein function. In summary, the available evidence is currently insufficient to determine the role of this variant in disease. Therefore, it has been classified as a Variant of Uncertain Significance.